The following is an entry in ClinVar:

NM_002691.4(POLD1):c.2641C>G (p.Leu881Val)

Gene: POLD1 (DNA polymerase delta 1, catalytic subunit; plus strand). Cytogenetic location: 19q13.33.
Variant type: single nucleotide variant.
Coding change: c.2641C>G on transcript NM_002691.4 (MANE Select); coding-DNA position 2641, C replaced by G.
Protein change: p.Leu881Val; replaces leucine 881 with valine.
Molecular consequence: missense variant. On other transcripts: non-coding transcript variant (1).
Genome position (GRCh38, 1-based): chr19:50,415,514, C>G. VCF-style: chr19-50415514-C-G. GRCh37 (hg19) VCF-style: chr19-50918771-C-G.
Other names: c.2641C>G, p.Leu881Val (NM_001256849.1); c.2719C>G, p.Leu907Val (NM_001308632.1); c.2641C>G (NM_002691.2); short protein forms L881V, L907V.
Identifiers: ClinVar variation 469282 (VCV000469282.12), dbSNP rs1189641592, ClinGen allele CA406985529.

ClinVar aggregate classification (germline): Uncertain significance. Review status: criteria provided, multiple submitters, no conflicts (2 of 4 stars). 3 submissions from 3 submitters: Uncertain significance (3). Last evaluated 2025-07-09.

Conditions:
POLD1-related polyposis and colorectal cancer syndrome (CRCS10). Also called: Colorectal cancer 10; COLORECTAL CANCER, SUSCEPTIBILITY TO, ON CHROMOSOME 19q; Colorectal cancer, susceptibility to, 10. Identifiers: Orphanet 220460, MedGen C2675481, MONDO:0012953, OMIM 612591.
Hereditary cancer-predisposing syndrome. Also called: Neoplastic Syndromes, Hereditary; Hereditary neoplastic syndrome; Tumor predisposition; Hereditary Cancer Syndrome. Identifiers: Orphanet 140162, MedGen C0027672, MeSH D009386, MONDO:0015356.

Allele frequency attached by ClinVar (database versions not stated): gnomAD exomes below 0.00001; TOPMed below 0.00001; gnomAD 0.00001.
gnomAD v4.1: 8 of 1,613,302 alleles (0.0005%); highest among the groups gnomAD compares: Non-Finnish European, 0.00059%; no homozygotes.

Submissions (3):

Ambry Genetics
Classification: Uncertain significance for Hereditary cancer-predisposing syndrome. Last evaluated: 2025-07-09. Review status: criteria provided, single submitter. Criteria: Ambry Variant Classification Scheme 2023. Collection method: clinical testing. Allele origin: germline.
Comment: The p.L881V variant (also known as c.2641C>G), located in coding exon 20 of the POLD1 gene, results from a C to G substitution at nucleotide position 2641. The leucine at codon 881 is replaced by valine, an amino acid with highly similar properties. This amino acid position is conserved. In addition, this alteration is predicted to be tolerated by in silico analysis. Since supporting evidence is limited at this time, the clinical significance of this alteration remains unclear.

Labcorp Genetics (formerly Invitae), Labcorp
Classification: Uncertain significance for POLD1-related polyposis and colorectal cancer syndrome. Last evaluated: 2025-03-31. Review status: criteria provided, single submitter. Criteria: Invitae Variant Classification Sherloc (09022015). Collection method: clinical testing. Allele origin: germline.
Comment: This sequence change replaces leucine, which is neutral and non-polar, with valine, which is neutral and non-polar, at codon 881 of the POLD1 protein (p.Leu881Val). This variant is not present in population databases (gnomAD no frequency). This variant has not been reported in the literature in individuals affected with POLD1-related conditions. ClinVar contains an entry for this variant (Variation ID: 469282). Invitae Evidence Modeling of protein sequence and biophysical properties (such as structural, functional, and spatial information, amino acid conservation, physicochemical variation, residue mobility, and thermodynamic stability) indicates that this missense variant is expected to disrupt POLD1 protein function with a positive predictive value of 80%. In summary, the available evidence is currently insufficient to determine the role of this variant in disease. Therefore, it has been classified as a Variant of Uncertain Significance.

GeneDx
Classification: Uncertain significance. Last evaluated: 2022-06-14. Review status: criteria provided, single submitter. Criteria: GeneDx Variant Classification Process June 2021. Collection method: clinical testing. Allele origin: germline. Affected: yes.
Comment: Not observed at significant frequency in large population cohorts (gnomAD); In silico analysis supports that this missense variant has a deleterious effect on protein structure/function; Has not been previously published as pathogenic or benign to our knowledge; In silico analysis, which includes splice predictors and evolutionary conservation, suggests this variant may impact gene splicing. In the absence of RNA/functional studies, the actual effect of this sequence change is unknown.